The following is an entry in ClinVar:

ClinVar aggregate classification (germline): Uncertain significance (1 of 4 stars; one submission).

Conditions:
Cortical dysplasia-focal epilepsy syndrome (PTHSL1). Also called: Pitt-Hopkins-like syndrome 1. Identifiers: Orphanet 163681, Orphanet 221150, MedGen C2750246, MONDO:0012400, OMIM 610042.

Allele frequency attached by ClinVar (database versions not stated): gnomAD exomes below 0.00001; TOPMed below 0.00001; gnomAD 0.00001.
gnomAD v4.1: 2 of 1,613,480 alleles (0.00012%); highest among the groups gnomAD compares: Non-Finnish European, 0.00017%; no homozygotes.

Submission:

Labcorp Genetics (formerly Invitae), Labcorp
Classification: Uncertain significance for Cortical dysplasia-focal epilepsy syndrome. Last evaluated: 2023-07-07. Review status: criteria provided, single submitter. Criteria: Invitae Variant Classification Sherloc (09022015). Collection method: clinical testing. Allele origin: germline.
Comment: In summary, the available evidence is currently insufficient to determine the role of this variant in disease. Therefore, it has been classified as a Variant of Uncertain Significance. An algorithm developed to predict the effect of missense changes on protein structure and function (PolyPhen-2) suggests that this variant is likely to be disruptive. ClinVar contains an entry for this variant (Variation ID: 649163). This variant has not been reported in the literature in individuals affected with CNTNAP2-related conditions. This variant is not present in population databases (gnomAD no frequency). This sequence change replaces valine, which is neutral and non-polar, with alanine, which is neutral and non-polar, at codon 224 of the CNTNAP2 protein (p.Val224Ala).

NM_014141.6(CNTNAP2):c.671T>C (p.Val224Ala)

Gene: CNTNAP2 (contactin associated protein 2; plus strand). Cytogenetic location: 7q35.
Variant type: single nucleotide variant.
Coding change: c.671T>C on transcript NM_014141.6 (MANE Select); coding-DNA position 671, T replaced by C.
Protein change: p.Val224Ala; replaces valine 224 with alanine.
Molecular consequence: missense variant.
Genome position (GRCh38, 1-based): chr7:147,108,267, T>C. VCF-style: chr7-147108267-T-C. GRCh37 (hg19) VCF-style: chr7-146805359-T-C.
Other names: short protein forms V224A.
Identifiers: ClinVar variation 649163 (VCV000649163.8), dbSNP rs1269648909, ClinGen allele CA369923191.